The following is an entry in ClinVar:

NM_003924.4(PHOX2B):c.937A>C (p.Met313Leu)

Gene: PHOX2B (paired like homeobox 2B; minus strand). Cytogenetic location: 4p13.
Variant type: single nucleotide variant.
Coding change: c.937A>C on transcript NM_003924.4 (MANE Select); coding-DNA position 937, A replaced by C.
Protein change: p.Met313Leu; replaces methionine 313 with leucine.
Molecular consequence: missense variant.
Genome position (GRCh38, 1-based): chr4:41,745,815, T>G on the plus strand (A>C on the coding strand, the complement: PHOX2B is on the minus strand). VCF-style: chr4-41745815-T-G. GRCh37 (hg19) VCF-style: chr4-41747832-T-G.
Other names: short protein forms M313L.
Identifiers: ClinVar variation 3888474 (VCV003888474.1).

ClinVar aggregate classification (germline): Uncertain significance (1 of 4 stars; one submission).

Conditions:
Hereditary cancer-predisposing syndrome. Also called: Tumor predisposition; Neoplastic Syndromes, Hereditary; Hereditary Cancer Syndrome; Hereditary neoplastic syndrome. Identifiers: Orphanet 140162, MedGen C0027672, MeSH D009386, MONDO:0015356.

Submission:

Ambry Genetics
Classification: Uncertain significance for Hereditary cancer-predisposing syndrome. Last evaluated: 2025-02-26. Review status: criteria provided, single submitter. Criteria: Ambry Variant Classification Scheme 2023. Collection method: clinical testing. Allele origin: germline.
Comment: The p.M313L variant (also known as c.937A>C), located in coding exon 3 of the PHOX2B gene, results from an A to C substitution at nucleotide position 937. The methionine at codon 313 is replaced by leucine, an amino acid with highly similar properties. This amino acid position is conserved. In addition, this alteration is predicted to be tolerated by in silico analysis. Based on the available evidence, the clinical significance of this variant remains unclear.